The following is an entry in ClinVar:

NM_000719.7(CACNA1C):c.5870C>A (p.Ala1957Asp)

Genes: CACNA1C (calcium voltage-gated channel subunit alpha1 C; plus strand), CACNA1C-AS1 (CACNA1C antisense RNA 1; minus strand). Cytogenetic location: 12p13.33.
Variant type: single nucleotide variant.
Coding change: c.5870C>A on transcript NM_000719.7 (MANE Select); coding-DNA position 5870, C replaced by A.
Protein change: p.Ala1957Asp; replaces alanine 1957 with aspartic acid.
Molecular consequence: missense variant.
Genome position (GRCh38, 1-based): chr12:2,688,532, C>A. VCF-style: chr12-2688532-C-A. GRCh37 (hg19) VCF-style: chr12-2797698-C-A.
Other names: c.6014C>A, p.Ala2005Asp (NM_001129827.2); c.5993C>A, p.Ala1998Asp (NM_001129829.2); c.5975C>A, p.Ala1992Asp (NM_001129830.3, NM_001167624.3); c.5954C>A, p.Ala1985Asp (NM_001129831.2); c.5930C>A, p.Ala1977Asp (NM_001129832.2); c.5927C>A, p.Ala1976Asp (NM_001129833.2, NM_001129834.2, NM_001129835.2); c.5921C>A, p.Ala1974Asp (NM_001129836.2); c.5894C>A, p.Ala1965Asp (NM_001129837.2, NM_001129838.2); and 6 more; short protein forms A1946D, A1954D, A1957D, A1963D, A1965D, A1974D, A1976D, A1977D.
Identifiers: ClinVar variation 1698485 (VCV001698485.1), dbSNP rs1323011590, ClinGen allele CA383384269.

ClinVar aggregate classification (germline): Uncertain significance (1 of 4 stars; one submission).

Allele frequency attached by ClinVar (database versions not stated): gnomAD exomes below 0.00001.
gnomAD v4.1: 1 of 1,614,002 alleles (0.000062%); highest among the groups gnomAD compares: South Asian, 0.0011%; no homozygotes.

Submission:

Women's Health and Genetics/Laboratory Corporation of America, LabCorp
Classification: Uncertain significance. Last evaluated: 2022-06-06. Review status: criteria provided, single submitter. Criteria: LabCorp Variant Classification Summary - May 2015. Collection method: clinical testing. Allele origin: germline.
Comment: Variant summary: CACNA1C c.5870C>A (p.Ala1957Asp) results in a non-conservative amino acid change in the encoded protein sequence. Three of five in-silico tools predict a damaging effect of the variant on protein function. The variant allele was found at a frequency of 4e-06 in 247714 control chromosomes (gnomAD). The available data on variant occurrences in the general population are insufficient to allow any conclusion about variant significance. To our knowledge, no occurrence of c.5870C>A in individuals affected with Timothy Syndrome and no experimental evidence demonstrating its impact on protein function have been reported. No clinical diagnostic laboratories have submitted clinical-significance assessments for this variant to ClinVar after 2014. Based on the evidence outlined above, the variant was classified as uncertain significance.